The following is an entry in ClinVar:

ClinVar aggregate classification (germline): Uncertain significance. Review status: criteria provided, multiple submitters, no conflicts (2 of 4 stars). 2 submissions from 2 submitters: Uncertain significance (2). Last evaluated 2025-10-08.

Conditions:
Congenital heart defects, dysmorphic facial features, and intellectual developmental disorder (CHDFIDD). Identifiers: Orphanet 646278, MedGen C4479246, MONDO:0044302, OMIM 617360.

Allele frequency attached by ClinVar (database versions not stated): gnomAD 0.00003.
gnomAD v4.1: 18 of 1,476,436 alleles (0.0012%); highest among the groups gnomAD compares: Non-Finnish European, 0.0014%; no homozygotes.

Submissions (2):

Applied Translational Genetics Group, University of Auckland
Classification: Uncertain significance for Congenital heart defects, dysmorphic facial features, and intellectual developmental disorder. Last evaluated: 2025-10-08. Review status: criteria provided, single submitter. Criteria: ACMG Guidelines, 2015. Collection method: research. Allele origin: de novo. Inheritance: Autosomal dominant inheritance. Affected: yes. Observed: 1 heterozygote.
Comment: NM_003718.5:c.1002C>A is a missense mutation in the gene CDK13 that results in the substitution of serine (a very small uncharged amino acid) for arginine (a large basic amino acid) at position 334. In silico aggregation prediction from Revel classifies the variant as Benign (Moderate) (0.11) (BP4). Heterozygous missense mutations are associated with the autosomal dominant condition Congenital heart defects, dysmorphic facial features, and intellectual developmental disorder (CHDFIDD, OMIM: 617360). While common, congential heart defects and dysmorphic features are common, they are not present in all individuals (PMID: 27479907, PMID: 28807008, PMID: 29021403). The variant has been identified as a de novo occurrence in a family without family history, but without confirmation of paternity and maternity (PM6). The variant is absent in the gnomAD population database, as would be expected for a rare genetic condition such as CHDFIDD (PM2). In summary, this variant meets criteria to be classified as a variant of unknown significance for Congenital heart defects, dysmorphic facial features, and intellectual developmental disorder based on the ACMG/AMP criteria applied: PM2, PM6, BP4

Labcorp Genetics (formerly Invitae), Labcorp
Classification: Uncertain significance. Last evaluated: 2023-05-22. Review status: criteria provided, single submitter. Criteria: Invitae Variant Classification Sherloc (09022015). Collection method: clinical testing. Allele origin: germline.
Comment: This sequence change replaces serine, which is neutral and polar, with arginine, which is basic and polar, at codon 334 of the CDK13 protein (p.Ser334Arg). In summary, the available evidence is currently insufficient to determine the role of this variant in disease. Therefore, it has been classified as a Variant of Uncertain Significance. Advanced modeling of protein sequence and biophysical properties (such as structural, functional, and spatial information, amino acid conservation, physicochemical variation, residue mobility, and thermodynamic stability) performed at Invitae indicates that this missense variant is not expected to disrupt CDK13 protein function. This variant has not been reported in the literature in individuals affected with CDK13-related conditions. This variant is not present in population databases (gnomAD no frequency).

Literature cited by the submitters: PubMed 27479907 (cited by Applied Translational Genetics Group, University of Auckland); PubMed 28807008 (cited by Applied Translational Genetics Group, University of Auckland); PubMed 29021403 (cited by Applied Translational Genetics Group, University of Auckland); PubMed 40756852 (cited by Applied Translational Genetics Group, University of Auckland).

NM_003718.5(CDK13):c.1002C>A (p.Ser334Arg)

Gene: CDK13 (cyclin dependent kinase 13; plus strand). Cytogenetic location: 7p14.1.
Variant type: single nucleotide variant.
Coding change: c.1002C>A on transcript NM_003718.5 (MANE Select); coding-DNA position 1002, C replaced by A.
Protein change: p.Ser334Arg; replaces serine 334 with arginine.
Molecular consequence: missense variant.
Genome position (GRCh38, 1-based): chr7:39,951,643, C>A. VCF-style: chr7-39951643-C-A. GRCh37 (hg19) VCF-style: chr7-39991242-C-A.
Other names: c.1002C>A, p.Ser334Arg (NM_031267.4); short protein forms S334R.
Identifiers: ClinVar variation 3016292 (VCV003016292.4), dbSNP rs1193661434, ClinGen allele CA367311156.